The following is an entry in ClinVar:

NM_000179.3(MSH6):c.901A>T (p.Lys301Ter)

Gene: MSH6 (mutS homolog 6; plus strand). Cytogenetic location: 2p16.3.
Variant type: single nucleotide variant.
Coding change: c.901A>T on transcript NM_000179.3 (MANE Select); coding-DNA position 901, A replaced by T.
Protein change: p.Lys301Ter; replaces lysine 301 with a stop codon.
Molecular consequence: nonsense. On other transcripts: 5 prime UTR variant (2).
Genome position (GRCh38, 1-based): chr2:47,798,884, A>T. VCF-style: chr2-47798884-A-T. GRCh37 (hg19) VCF-style: chr2-48026023-A-T.
Other names: c.511A>T, p.Lys171Ter (NM_001281492.2); c.-6A>T (NM_001281493.2, NM_001281494.2); short protein forms K171*, K301*.
Identifiers: ClinVar variation 822901 (VCV000822901.16), dbSNP rs1572720794, ClinGen allele CA346740701.

ClinVar aggregate classification (germline): Pathogenic/Likely pathogenic. Review status: criteria provided, multiple submitters, no conflicts (2 of 4 stars). 5 submissions from 5 submitters: Pathogenic (4); Likely pathogenic (1). Last evaluated 2026-07-14.

Conditions:
Hereditary nonpolyposis colorectal neoplasms. Identifiers: MedGen C0009405, MeSH D003123.
Lynch syndrome 5 (LYNCH5). Also called: Colorectal cancer, hereditary nonpolyposis, type 5; Hereditary non-polyposis colorectal cancer, type 5. Identifiers: Orphanet 144, MedGen C1833477, MONDO:0013710, OMIM 614350. Disease mechanism: loss of function.
Endometrial carcinoma. Also called: Endometrial carcinoma, somatic. Identifiers: MedGen C0476089, MONDO:0002447, OMIM 608089, HP:0012114.
Hereditary cancer-predisposing syndrome. Also called: Tumor predisposition; Hereditary neoplastic syndrome; Neoplastic Syndromes, Hereditary; Hereditary Cancer Syndrome. Identifiers: Orphanet 140162, MedGen C0027672, MeSH D009386, MONDO:0015356.

Submissions (5):

Ambry Genetics
Classification: Pathogenic for Hereditary cancer-predisposing syndrome. Last evaluated: 2026-07-14. Review status: criteria provided, single submitter. Criteria: Ambry Variant Classification Scheme 2023. Collection method: clinical testing. Allele origin: germline.
Comment: The p.K301* pathogenic mutation (also known as c.901A>T), located in coding exon 4 of the MSH6 gene, results from an A to T substitution at nucleotide position 901. This changes the amino acid from a lysine to a stop codon within coding exon 4.This variant is considered to be rare based on population cohorts in the Genome Aggregation Database (gnomAD). This alteration is expected to result in loss of function by premature protein truncation or nonsense-mediated mRNA decay. As such, this alteration is interpreted as a disease-causing mutation.

Labcorp Genetics (formerly Invitae), Labcorp
Classification: Pathogenic for Hereditary nonpolyposis colorectal neoplasms. Last evaluated: 2025-04-02. Review status: criteria provided, single submitter. Criteria: Invitae Variant Classification Sherloc (09022015). Collection method: clinical testing. Allele origin: germline.
Comment: This sequence change creates a premature translational stop signal (p.Lys301*) in the MSH6 gene. It is expected to result in an absent or disrupted protein product. Loss-of-function variants in MSH6 are known to be pathogenic (PMID: 18269114, 24362816). This variant is not present in population databases (gnomAD no frequency). This variant has not been reported in the literature in individuals affected with MSH6-related conditions. ClinVar contains an entry for this variant (Variation ID: 822901). For these reasons, this variant has been classified as Pathogenic.

Myriad Genetics, Inc.
Classification: Pathogenic for Lynch syndrome 5. Last evaluated: 2023-08-11. Review status: criteria provided, single submitter. Criteria: Myriad Autosomal Dominant, Autosomal Recessive and X-Linked Classification Criteria (2023). Collection method: clinical testing. Allele origin: unknown.
Comment: This variant is considered pathogenic. This variant creates a termination codon and is predicted to result in premature protein truncation.

Baylor Genetics
Classification: Likely pathogenic for Endometrial carcinoma. Last evaluated: 2022-05-25. Review status: criteria provided, single submitter. Criteria: ACMG Guidelines, 2015. Collection method: clinical testing. Allele origin: unknown.

GeneDx
Classification: Pathogenic. Last evaluated: 2021-11-10. Review status: criteria provided, single submitter. Criteria: GeneDx Variant Classification Process June 2021. Collection method: clinical testing. Allele origin: germline. Affected: yes.
Comment: Nonsense variant predicted to result in protein truncation or nonsense mediated decay in a gene for which loss-of-function is a known mechanism of disease; Not observed at significant frequency in large population cohorts (Lek 2016); Truncating variants in this gene are considered pathogenic by a well-established clinical consortium and/or database; Has not been previously published as pathogenic or benign to our knowledge

Literature cited by the submitters: PubMed 18269114 (cited by Labcorp Genetics (formerly Invitae), Labcorp); PubMed 24362816 (cited by Labcorp Genetics (formerly Invitae), Labcorp).